The following is an entry in ClinVar:

NM_033109.5(PNPT1):c.2196+6T>C

Gene: PNPT1 (polyribonucleotide nucleotidyltransferase 1; minus strand). Cytogenetic location: 2p16.1.
Variant type: single nucleotide variant.
Coding change: c.2196+6T>C on transcript NM_033109.5 (MANE Select); 6 bases into the intron after coding-DNA position 2196, T replaced by C.
Molecular consequence: intron variant.
Genome position (GRCh38, 1-based): chr2:55,637,546, A>G on the plus strand (T>C on the coding strand, the complement: PNPT1 is on the minus strand). VCF-style: chr2-55637546-A-G. GRCh37 (hg19) VCF-style: chr2-55864681-A-G.
Identifiers: ClinVar variation 1448254 (VCV001448254.3), dbSNP rs970338196, ClinGen allele CA47647716.

ClinVar aggregate classification (germline): Uncertain significance (1 of 4 stars; one submission).

Allele frequency attached by ClinVar (database versions not stated): gnomAD exomes below 0.00001; gnomAD 0.00003; TOPMed 0.00004.
gnomAD v4.1: 6 of 1,595,922 alleles (0.00038%); highest among the groups gnomAD compares: African/African-American, 0.0081%; no homozygotes.

Submission:

Labcorp Genetics (formerly Invitae), Labcorp
Classification: Uncertain significance. Last evaluated: 2021-06-30. Review status: criteria provided, single submitter. Criteria: Invitae Variant Classification Sherloc (09022015). Collection method: clinical testing. Allele origin: germline.
Comment: This sequence change falls in intron 27 of the PNPT1 gene. It does not directly change the encoded amino acid sequence of the PNPT1 protein. It affects a nucleotide within the consensus splice site of the intron. This variant is not present in population databases (ExAC no frequency). This variant has not been reported in the literature in individuals affected with PNPT1-related conditions. Nucleotide substitutions within the consensus splice site are a relatively common cause of aberrant splicing (PMID: 17576681, 9536098). Algorithms developed to predict the effect of sequence changes on RNA splicing suggest that this variant is not likely to affect RNA splicing. In summary, the available evidence is currently insufficient to determine the role of this variant in disease. Therefore, it has been classified as a Variant of Uncertain Significance.

Literature cited by the submitters: PubMed 17576681; PubMed 9536098.